The following is an entry in ClinVar:

ClinVar aggregate classification (germline): Uncertain significance (1 of 4 stars; one submission).

Conditions:
Immunodeficiency 19 (IMD19). Also called: IMMUNODEFICIENCY 19, SEVERE COMBINED; SCID, T CELL-NEGATIVE, B CELL-POSITIVE, NK CELL-POSITIVE; CD3-DELTA DEFICIENCY; SEVERE COMBINED IMMUNODEFICIENCY, T CELL-NEGATIVE, B CELL-POSITIVE, NK CELL-POSITIVE. Identifiers: MedGen C3810147, MONDO:0014280, OMIM 615617.

Allele frequency attached by ClinVar (database versions not stated): TOPMed below 0.00001; gnomAD 0.00001.
gnomAD v4.1: 1 of 1,613,904 alleles (0.000062%); highest among the groups gnomAD compares: Admixed American, 0.0017%; no homozygotes.

Submission:

Labcorp Genetics (formerly Invitae), Labcorp
Classification: Uncertain significance for Immunodeficiency 19. Last evaluated: 2022-06-07. Review status: criteria provided, single submitter. Criteria: Invitae Variant Classification Sherloc (09022015). Collection method: clinical testing. Allele origin: germline.
Comment: This variant has not been reported in the literature in individuals affected with CD3D-related conditions. This sequence change replaces threonine, which is neutral and polar, with asparagine, which is neutral and polar, at codon 115 of the CD3D protein (p.Thr115Asn). This variant is not present in population databases (gnomAD no frequency). Algorithms developed to predict the effect of missense changes on protein structure and function are either unavailable or do not agree on the potential impact of this missense change (SIFT: "Deleterious"; PolyPhen-2: "Probably Damaging"; Align-GVGD: "Class C0"). In summary, the available evidence is currently insufficient to determine the role of this variant in disease. Therefore, it has been classified as a Variant of Uncertain Significance.

NM_000732.6(CD3D):c.344C>A (p.Thr115Asn)

Gene: CD3D (CD3 delta subunit of T-cell receptor complex; minus strand). Cytogenetic location: 11q23.3.
Variant type: single nucleotide variant.
Coding change: c.344C>A on transcript NM_000732.6 (MANE Select); coding-DNA position 344, C replaced by A.
Protein change: p.Thr115Asn; replaces threonine 115 with asparagine.
Molecular consequence: missense variant. On other transcripts: intron variant (1).
Genome position (GRCh38, 1-based): chr11:118,339,837, G>T on the plus strand (C>A on the coding strand, the complement: CD3D is on the minus strand). VCF-style: chr11-118339837-G-T. GRCh37 (hg19) VCF-style: chr11-118210552-G-T.
Other names: c.275-343C>A (NM_001040651.2); short protein forms T115N.
Identifiers: ClinVar variation 2150111 (VCV002150111.4), dbSNP rs1948284447, ClinGen allele CA382788245.
Genomic context (GRCh38, chr11:118,339,837, plus strand): 5'-CCAGACAGCCTTCCAGTCTCATGTCCAGCAAAGCAGAAGACTCCCAAAGCAAGGAGCAGA[G>T]TGGCAATGACATCAGTGACAATGATGCCAGCCACGGTGGCTGGATCCAGCTCCACACAGC-3'
Protein context (NP_000723.1, residues 105-125): AGIIVTDVIA[Thr115Asn]LLLALGVFCF